The following is an entry in ClinVar:

NM_002291.3(LAMB1):c.2854+8G>A

Gene: LAMB1 (laminin subunit beta 1; minus strand). Cytogenetic location: 7q31.1.
Variant type: single nucleotide variant.
Coding change: c.2854+8G>A on transcript NM_002291.3 (MANE Select); 8 bases into the intron after coding-DNA position 2854, G replaced by A.
Molecular consequence: intron variant.
Genome position (GRCh38, 1-based): chr7:107,955,459, C>T on the plus strand (G>A on the coding strand, the complement: LAMB1 is on the minus strand). VCF-style: chr7-107955459-C-T. GRCh37 (hg19) VCF-style: chr7-107595904-C-T.
Other names: c.2854+8G>A (NM_002291.2).
Identifiers: ClinVar variation 1555965 (VCV001555965.10), dbSNP rs778925077, ClinGen allele CA4435509.
Genomic context (GRCh38, chr7:107,955,459, plus strand): 5'-ATTAACAATGAACTCATAAAGACATCTTTTTCTCTCTCTTTGCCTCCCAAAGTATGCACA[C>T]GACTTACCAATGTATCCAGGATCACAAACACAGGCAAGCTGTAAAGTAACAGGATCTTGG-3'

ClinVar aggregate classification (germline): Likely benign. Review status: criteria provided, single submitter (1 of 4 stars). 2 submissions from 2 submitters: Likely benign (1). 1 of the submissions does not count toward it. Last evaluated 2024-05-07.

Conditions:
LAMB1-related disorder. Also called: LAMB1-related condition.

Allele frequency attached by ClinVar (database versions not stated): gnomAD 0.00003; TOPMed 0.00001; ExAC 0.00003; gnomAD exomes 0.00003.
gnomAD v4.1: 17 of 1,610,392 alleles (0.0011%); highest among the groups gnomAD compares: Admixed American, 0.012%; no homozygotes.

Submissions (2):

Labcorp Genetics (formerly Invitae), Labcorp
Classification: Likely benign. Last evaluated: 2024-05-07. Review status: criteria provided, single submitter. Criteria: Invitae Variant Classification Sherloc (09022015). Collection method: clinical testing. Allele origin: germline.

PreventionGenetics, part of Exact Sciences
Classification: Likely benign for LAMB1-related condition. Last evaluated: 2022-06-21. Review status: no assertion criteria provided. Collection method: clinical testing. Allele origin: germline. Not counted in ClinVar's aggregate classification.
Comment: This variant is classified as likely benign based on ACMG/AMP sequence variant interpretation guidelines (Richards et al. 2015 PMID: 25741868, with internal and published modifications).